The following is an entry in ClinVar:

NM_001611.5(ACP5):c.602T>C (p.Leu201Pro)

Gene: ACP5 (acid phosphatase 5, tartrate resistant; minus strand). Cytogenetic location: 19p13.2.
Variant type: single nucleotide variant.
Coding change: c.602T>C on transcript NM_001611.5 (MANE Select); coding-DNA position 602, T replaced by C.
Protein change: p.Leu201Pro; replaces leucine 201 with proline.
Molecular consequence: missense variant.
Genome position (GRCh38, 1-based): chr19:11,576,376, A>G on the plus strand (T>C on the coding strand, the complement: ACP5 is on the minus strand). VCF-style: chr19-11576376-A-G. GRCh37 (hg19) VCF-style: chr19-11687191-A-G.
Other names: c.602T>C, p.Leu201Pro (LRG_1218t1, NM_001111034.3, NM_001111035.3 and 2 more transcripts); short protein forms L201P.
Identifiers: ClinVar variation 29835 (VCV000029835.2), dbSNP rs387906672, ClinGen allele CA128682.

ClinVar aggregate classification (germline): Uncertain significance. Review status: criteria provided, single submitter (1 of 4 stars). 2 submissions from 2 submitters: Uncertain significance (1). 1 of the submissions does not count toward it. Last evaluated 2021-03-12.

Conditions:
Spondyloenchondrodysplasia with immune dysregulation (SPENCDI). Also called: COMBINED IMMUNODEFICIENCY WITH AUTOIMMUNITY AND SPONDYLOMETAPHYSEAL DYSPLASIA; SPONDYLOENCHONDRODYSPLASIA WITH OR WITHOUT IMMUNE DYSREGULATION; ROIFMAN IMMUNOSKELETAL SYNDROME. Identifiers: Orphanet 1855, MedGen C1842763, MONDO:0011939, OMIM 607944.

Allele frequency attached by ClinVar (database versions not stated): gnomAD exomes below 0.00001.

Submissions (2):

Institute of Human Genetics, University of Leipzig Medical Center
Classification: Uncertain significance for Spondyloenchondrodysplasia with immune dysregulation. Last evaluated: 2021-03-12. Review status: criteria provided, single submitter. Criteria: ACMG Guidelines, 2015. Collection method: clinical testing. Allele origin: unknown. Affected: yes.
Comment: This variant was identified as homozygous.

OMIM
Classification: Pathogenic for SPONDYLOENCHONDRODYSPLASIA WITH IMMUNE DYSREGULATION. Last evaluated: 2011-02-01. Review status: no assertion criteria provided. Collection method: literature only. Allele origin: germline. Not counted in ClinVar's aggregate classification.

Literature cited by the submitters: PubMed 21217752 (cited by OMIM).